The following is an entry in ClinVar:

NM_005689.4(ABCB6):c.970+5G>A

Gene: ABCB6 (ATP binding cassette subfamily B member 6 (LAN blood group); minus strand). Cytogenetic location: 2q35.
Variant type: single nucleotide variant.
Coding change: c.970+5G>A on transcript NM_005689.4 (MANE Select); 5 bases into the intron after coding-DNA position 970, G replaced by A.
Molecular consequence: intron variant.
Genome position (GRCh38, 1-based): chr2:219,216,359, C>T on the plus strand (G>A on the coding strand, the complement: ABCB6 is on the minus strand). VCF-style: chr2-219216359-C-T. GRCh37 (hg19) VCF-style: chr2-220081081-C-T.
Other names: c.832+5G>A (NM_001349828.2).
Identifiers: ClinVar variation 4991232 (VCV004991232.1).

ClinVar aggregate classification (germline): Likely benign (1 of 4 stars; one submission).

Conditions:
ABCB6-related disorder. Also called: ABCB6-related condition.

Submission:

PreventionGenetics, part of Exact Sciences
Classification: Likely benign for ABCB6-related condition. Last evaluated: 2026-06-02. Review status: criteria provided, single submitter. Criteria: ACMG Guidelines, 2015. Collection method: clinical testing. Allele origin: germline.
Comment: This variant is classified as likely benign based on ACMG/AMP sequence variant interpretation guidelines (Richards et al. 2015 PMID: 25741868, with internal and published modifications).